The following is an entry in ClinVar:

ClinVar aggregate classification (germline): Pathogenic (1 of 4 stars; one submission).

Submission:

Labcorp Genetics (formerly Invitae), Labcorp
Classification: Pathogenic. Last evaluated: 2024-06-19. Review status: criteria provided, single submitter. Criteria: Invitae Variant Classification Sherloc (09022015). Collection method: clinical testing. Allele origin: germline.
Comment: This sequence change creates a premature translational stop signal (p.Gln392*) in the CLCN4 gene. It is expected to result in an absent or disrupted protein product. Loss-of-function variants in CLCN4 are known to be pathogenic (PMID: 27550844). This variant is not present in population databases (gnomAD no frequency). This variant has not been reported in the literature in individuals affected with CLCN4-related conditions. For these reasons, this variant has been classified as Pathogenic.

Literature cited by the submitters: PubMed 27550844.

NM_001830.4(CLCN4):c.1174C>T (p.Gln392Ter)

Gene: CLCN4 (chloride voltage-gated channel 4; plus strand). Cytogenetic location: Xp22.2.
Variant type: single nucleotide variant.
Coding change: c.1174C>T on transcript NM_001830.4 (MANE Select); coding-DNA position 1174, C replaced by T.
Protein change: p.Gln392Ter; replaces glutamine 392 with a stop codon.
Molecular consequence: nonsense.
Genome position (GRCh38, 1-based): chrX:10,208,375, C>T. VCF-style: chrX-10208375-C-T. GRCh37 (hg19) VCF-style: chrX-10176415-C-T.
Other names: c.892C>T, p.Gln298Ter (NM_001256944.2); short protein forms Q298*, Q392*.
Identifiers: ClinVar variation 2705896 (VCV002705896.3), dbSNP rs2518885499, ClinGen allele CA412038009.
Genomic context (GRCh38, chrX:10,208,375, plus strand): 5'-GAGGTCATTGTGGTGACTGCCATCACTGCCATCATTGCCTACCCCAATCCCTACACACGC[C>T]AGAGCACCAGCGAGCTCATTTCTGAGCTGTTCAATGACTGTGGAGCCCTTGAGTCTTCCC-3'